The following is an entry in ClinVar:

NM_000440.3(PDE6A):c.2242C>T (p.Leu748=)

Gene: PDE6A (phosphodiesterase 6A; minus strand). Cytogenetic location: 5q32.
Variant type: single nucleotide variant.
Coding change: c.2242C>T on transcript NM_000440.3 (MANE Select); coding-DNA position 2242, C replaced by T.
Protein change: p.Leu748=; no amino-acid change (leucine 748 retained).
Molecular consequence: synonymous variant.
Genome position (GRCh38, 1-based): chr5:149,867,757, G>A on the plus strand (C>T on the coding strand, the complement: PDE6A is on the minus strand). VCF-style: chr5-149867757-G-A. GRCh37 (hg19) VCF-style: chr5-149247320-G-A.
Identifiers: ClinVar variation 618780 (VCV000618780.17), dbSNP rs963290822, ClinGen allele CA447140775.

ClinVar aggregate classification (germline): Likely benign. Review status: criteria provided, multiple submitters, no conflicts (2 of 4 stars). 2 submissions from 2 submitters: Likely benign (2). Last evaluated 2020-01-31.

Submissions (2):

Labcorp Genetics (formerly Invitae), Labcorp
Classification: Likely benign. Last evaluated: 2020-01-31. Review status: criteria provided, single submitter. Criteria: Invitae Variant Classification Sherloc (09022015). Collection method: clinical testing. Allele origin: germline.

ARUP Laboratories, Molecular Genetics and Genomics, ARUP Laboratories
Classification: Likely benign. Last evaluated: 2018-06-04. Review status: criteria provided, single submitter. Criteria: ARUP Molecular Germline Variant Investigation Process. Collection method: clinical testing. Allele origin: germline.
Comment: The PDE6A c.2242C>T; p.Leu748Leu variant, to our knowledge, is not reported in the medical literature or in gene-specific databases. This variant is also absent from general population databases (1000 Genomes Project, Exome Variant Server, and Genome Aggregation Database), indicating it is not a common polymorphism. This is a synonymous variant in a weakly nucleotide, and computational analyses (Alamut v.2.11) predict that this variant does not alter splicing. Considering available information, this variant is classified as likely benign.